The following is an entry in ClinVar:

NM_014795.4(ZEB2):c.3445G>A (p.Gly1149Arg)

Gene: ZEB2 (zinc finger E-box binding homeobox 2; minus strand). Cytogenetic location: 2q22.3.
Variant type: single nucleotide variant.
Coding change: c.3445G>A on transcript NM_014795.4 (MANE Select); coding-DNA position 3445, G replaced by A.
Protein change: p.Gly1149Arg; replaces glycine 1149 with arginine.
Molecular consequence: missense variant.
Genome position (GRCh38, 1-based): chr2:144,389,651, C>T on the plus strand (G>A on the coding strand, the complement: ZEB2 is on the minus strand). VCF-style: chr2-144389651-C-T. GRCh37 (hg19) VCF-style: chr2-145147218-C-T.
Other names: c.3373G>A, p.Gly1125Arg (NM_001171653.2); short protein forms G1125R, G1149R.
Identifiers: ClinVar variation 2809601 (VCV002809601.3), dbSNP rs762628069, ClinGen allele CA1898115.

ClinVar aggregate classification (germline): Uncertain significance (1 of 4 stars; one submission).

Conditions:
Mowat-Wilson syndrome (MOWS). Also called: Classic Mowat-Wilson Syndrome. Identifiers: Orphanet 2152, MedGen C1856113, MONDO:0009341, OMIM 235730.

Allele frequency attached by ClinVar (database versions not stated): gnomAD 0.00001; gnomAD exomes 0.00001; ExAC 0.00002.
gnomAD v4.1: 15 of 1,614,026 alleles (0.00093%); highest among the groups gnomAD compares: South Asian, 0.015%; no homozygotes.

Submission:

Labcorp Genetics (formerly Invitae), Labcorp
Classification: Uncertain significance for Mowat-Wilson syndrome. Last evaluated: 2023-07-29. Review status: criteria provided, single submitter. Criteria: Invitae Variant Classification Sherloc (09022015). Collection method: clinical testing. Allele origin: germline.
Comment: This variant has not been reported in the literature in individuals affected with ZEB2-related conditions. This sequence change replaces glycine, which is neutral and non-polar, with arginine, which is basic and polar, at codon 1149 of the ZEB2 protein (p.Gly1149Arg). This variant is present in population databases (rs762628069, gnomAD 0.01%). Advanced modeling of protein sequence and biophysical properties (such as structural, functional, and spatial information, amino acid conservation, physicochemical variation, residue mobility, and thermodynamic stability) performed at Invitae indicates that this missense variant is not expected to disrupt ZEB2 protein function. In summary, the available evidence is currently insufficient to determine the role of this variant in disease. Therefore, it has been classified as a Variant of Uncertain Significance.